The following is an entry in ClinVar:

NM_000391.4(TPP1):c.1407A>T (p.Pro469=)

Gene: TPP1 (tripeptidyl peptidase 1; minus strand). Cytogenetic location: 11p15.4.
Variant type: single nucleotide variant.
Coding change: c.1407A>T on transcript NM_000391.4 (MANE Select); coding-DNA position 1407, A replaced by T.
Protein change: p.Pro469=; no amino-acid change (proline 469 retained).
Molecular consequence: synonymous variant.
Genome position (GRCh38, 1-based): chr11:6,615,189, T>A on the plus strand (A>T on the coding strand, the complement: TPP1 is on the minus strand). VCF-style: chr11-6615189-T-A. GRCh37 (hg19) VCF-style: chr11-6636420-T-A.
Identifiers: ClinVar variation 518067 (VCV000518067.1), dbSNP rs750546113, ClinGen allele CA472922237.

ClinVar aggregate classification (germline): Likely benign (1 of 4 stars; one submission).

Submission:

GeneDx
Classification: Likely benign. Last evaluated: 2017-06-20. Review status: criteria provided, single submitter. Criteria: GeneDx Variant Classification (06012015). Collection method: clinical testing. Allele origin: germline. Affected: yes.
Comment: This variant is considered likely benign or benign based on one or more of the following criteria: it is a conservative change, it occurs at a poorly conserved position in the protein, it is predicted to be benign by multiple in silico algorithms, and/or has population frequency not consistent with disease.